The following is an entry in ClinVar:

ClinVar aggregate classification (germline): Pathogenic. Review status: criteria provided, multiple submitters, no conflicts (2 of 4 stars). 2 submissions from 2 submitters: Pathogenic (2). Last evaluated 2023-07-08.

Conditions:
Inborn genetic diseases. Identifiers: MedGen C0950123, MeSH D030342.
Autosomal recessive spastic paraplegia type 78. Identifiers: Orphanet 513436, MedGen C5567893, MONDO:0014975, OMIM 617225.
Kufor-Rakeb syndrome (KRS). Also called: PARKINSON DISEASE 9, AUTOSOMAL RECESSIVE, JUVENILE-ONSET. Identifiers: Orphanet 306674, Orphanet 314632, MedGen C1847640, MONDO:0011706, OMIM 606693.

Allele frequency attached by ClinVar (database versions not stated): gnomAD 0.00001; gnomAD exomes 0.00001; TOPMed 0.00001.
gnomAD v4.1: 20 of 1,613,950 alleles (0.0012%); highest among the groups gnomAD compares: East Asian, 0.0022%; no homozygotes.

Submissions (2):

Labcorp Genetics (formerly Invitae), Labcorp
Classification: Pathogenic for Kufor-Rakeb syndrome; Autosomal recessive spastic paraplegia type 78. Last evaluated: 2023-07-08. Review status: criteria provided, single submitter. Criteria: Invitae Variant Classification Sherloc (09022015). Collection method: clinical testing. Allele origin: germline.
Comment: This sequence change creates a premature translational stop signal (p.Arg487*) in the ATP13A2 gene. It is expected to result in an absent or disrupted protein product. Loss-of-function variants in ATP13A2 are known to be pathogenic (PMID: 16964263, 21696388). For these reasons, this variant has been classified as Pathogenic. ClinVar contains an entry for this variant (Variation ID: 520750). This premature translational stop signal has been observed in individual(s) with Kufor‐Rakeb Syndrome (PMID: 30746398). This variant is not present in population databases (gnomAD no frequency).

Ambry Genetics
Classification: Pathogenic for Inborn genetic diseases. Last evaluated: 2015-08-05. Review status: criteria provided, single submitter. Criteria: Ambry exome assertion method (8-5-2015). Collection method: clinical testing. Allele origin: germline. Affected: yes. Observed: 1 variant allele.

Literature cited by the submitters: PubMed 16964263 (cited by Labcorp Genetics (formerly Invitae), Labcorp); PubMed 21696388 (cited by Labcorp Genetics (formerly Invitae), Labcorp); PubMed 30746398 (cited by Labcorp Genetics (formerly Invitae), Labcorp).

NM_022089.4(ATP13A2):c.1459C>T (p.Arg487Ter)

Gene: ATP13A2 (ATPase cation transporting 13A2; minus strand). Cytogenetic location: 1p36.13.
Variant type: single nucleotide variant.
Coding change: c.1459C>T on transcript NM_022089.4 (MANE Select); coding-DNA position 1459, C replaced by T.
Protein change: p.Arg487Ter; replaces arginine 487 with a stop codon.
Molecular consequence: nonsense.
Genome position (GRCh38, 1-based): chr1:16,996,059, G>A on the plus strand (C>T on the coding strand, the complement: ATP13A2 is on the minus strand). VCF-style: chr1-16996059-G-A. GRCh37 (hg19) VCF-style: chr1-17322554-G-A.
Other names: c.1444C>T, p.Arg482Ter (NM_001141973.3, NM_001141974.3); short protein forms R487*, R482*.
Identifiers: ClinVar variation 520750 (VCV000520750.7), dbSNP rs1303653650, ClinGen allele CA338252192.